The following is an entry in ClinVar:

NM_002439.5(MSH3):c.1288T>C (p.Ser430Pro)

Gene: MSH3 (mutS homolog 3; plus strand). Cytogenetic location: 5q14.1.
Variant type: single nucleotide variant.
Coding change: c.1288T>C on transcript NM_002439.5 (MANE Select); coding-DNA position 1288, T replaced by C.
Protein change: p.Ser430Pro; replaces serine 430 with proline.
Molecular consequence: missense variant.
Genome position (GRCh38, 1-based): chr5:80,679,041, T>C. VCF-style: chr5-80679041-T-C. GRCh37 (hg19) VCF-style: chr5-79974860-T-C.
Other names: c.1288T>C (NM_002439.3); short protein forms S430P.
Identifiers: ClinVar variation 955699 (VCV000955699.10), dbSNP rs1292393470, ClinGen allele CA360269048.
Genomic context (GRCh38, chr5:80,679,041, plus strand): 5'-TCTCGTTCAGAGCTAGAAACCCGGATGTCAAGCCTGCAGCCAGTAGAGCTGCTGCTTCCT[T>C]CGGCCTTGTCCGAGCAAACAGAGGCGCTCATCCACAGAGCCACATCTGTTAGGTAAGTTG-3'
Protein context (NP_002430.3, residues 420-440): SLQPVELLLP[Ser430Pro]ALSEQTEALI

ClinVar aggregate classification (germline): Uncertain significance. Review status: criteria provided, multiple submitters, no conflicts (2 of 4 stars). 3 submissions from 3 submitters: Uncertain significance (3). Last evaluated 2025-05-18.

Conditions:
Hereditary cancer-predisposing syndrome. Also called: Hereditary neoplastic syndrome; Tumor predisposition; Neoplastic Syndromes, Hereditary; Hereditary Cancer Syndrome. Identifiers: Orphanet 140162, MedGen C0027672, MeSH D009386, MONDO:0015356.
Endometrial carcinoma. Also called: Endometrial carcinoma, somatic. Identifiers: MedGen C0476089, MONDO:0002447, OMIM 608089, HP:0012114.

Submissions (3):

Labcorp Genetics (formerly Invitae), Labcorp
Classification: Uncertain significance. Last evaluated: 2025-05-18. Review status: criteria provided, single submitter. Criteria: Invitae Variant Classification Sherloc (09022015). Collection method: clinical testing. Allele origin: germline.
Comment: This sequence change replaces serine, which is neutral and polar, with proline, which is neutral and non-polar, at codon 430 of the MSH3 protein (p.Ser430Pro). This variant is not present in population databases (gnomAD no frequency). This variant has not been reported in the literature in individuals affected with MSH3-related conditions. ClinVar contains an entry for this variant (Variation ID: 955699). An algorithm developed to predict the effect of missense changes on protein structure and function (PolyPhen-2) suggests that this variant is likely to be tolerated. In summary, the available evidence is currently insufficient to determine the role of this variant in disease. Therefore, it has been classified as a Variant of Uncertain Significance.

Ambry Genetics
Classification: Uncertain significance for Hereditary cancer-predisposing syndrome. Last evaluated: 2025-02-26. Review status: criteria provided, single submitter. Criteria: Ambry Variant Classification Scheme 2023. Collection method: clinical testing. Allele origin: germline.
Comment: The p.S430P variant (also known as c.1288T>C), located in coding exon 8 of the MSH3 gene, results from a T to C substitution at nucleotide position 1288. The serine at codon 430 is replaced by proline, an amino acid with similar properties. This amino acid position is conserved. In addition, the in silico prediction for this alteration is inconclusive. Since supporting evidence is limited at this time, the clinical significance of this alteration remains unclear.

Baylor Genetics
Classification: Uncertain significance for Endometrial carcinoma. Last evaluated: 2023-12-07. Review status: criteria provided, single submitter. Criteria: ACMG Guidelines, 2015. Collection method: clinical testing. Allele origin: unknown.